The following is an entry in ClinVar:

ClinVar aggregate classification (germline): Uncertain significance. Review status: criteria provided, multiple submitters, no conflicts (2 of 4 stars). 3 submissions from 3 submitters: Uncertain significance (3). Last evaluated 2025-10-26.

Conditions:
Cardiovascular phenotype. Identifiers: MedGen CN230736.
Long QT syndrome (LQTS). Identifiers: MedGen C0023976, MeSH D008133, MONDO:0002442. Disease mechanism: loss of function. Inheritance: Various modes of inheritance.

Allele frequency attached by ClinVar (database versions not stated): gnomAD exomes 0.00003; ExAC 0.00002; TOPMed 0.00002; gnomAD 0.00003.
gnomAD v4.1: 43 of 1,613,484 alleles (0.0027%); highest among the groups gnomAD compares: Middle Eastern, 0.016%; no homozygotes.

Submissions (3):

Ambry Genetics
Classification: Uncertain significance for Cardiovascular phenotype. Last evaluated: 2025-10-26. Review status: criteria provided, single submitter. Criteria: Ambry Variant Classification Scheme 2023. Collection method: clinical testing. Allele origin: germline.
Comment: The p.S259L variant (also known as c.776C>T), located in coding exon 4 of the SNTA1 gene, results from a C to T substitution at nucleotide position 776. The serine at codon 259 is replaced by leucine, an amino acid with dissimilar properties. This alteration has been reported in one case of Brugada syndrome; however, clinical details were limited (Brion M et al. Electrophoresis, 2014 Nov;35:3111-6). This amino acid position is well conserved in available vertebrate species. In addition, this alteration is predicted to be tolerated by in silico analysis. Since supporting evidence is limited at this time, the clinical significance of this alteration remains unclear.

Labcorp Genetics (formerly Invitae), Labcorp
Classification: Uncertain significance for Long QT syndrome. Last evaluated: 2025-08-17. Review status: criteria provided, single submitter. Criteria: Invitae Variant Classification Sherloc (09022015). Collection method: clinical testing. Allele origin: germline.
Comment: This sequence change replaces serine, which is neutral and polar, with leucine, which is neutral and non-polar, at codon 259 of the SNTA1 protein (p.Ser259Leu). This variant is present in population databases (rs774643587, gnomAD 0.006%). This missense change has been observed in individual(s) with Brugada syndrome (PMID: 24981977). ClinVar contains an entry for this variant (Variation ID: 412218). Invitae Evidence Modeling of protein sequence and biophysical properties (such as structural, functional, and spatial information, amino acid conservation, physicochemical variation, residue mobility, and thermodynamic stability) indicates that this missense variant is not expected to disrupt SNTA1 protein function with a negative predictive value of 80%. In summary, the available evidence is currently insufficient to determine the role of this variant in disease. Therefore, it has been classified as a Variant of Uncertain Significance.

GeneDx
Classification: Uncertain significance. Last evaluated: 2023-08-29. Review status: criteria provided, single submitter. Criteria: GeneDx Variant Classification Process June 2021. Collection method: clinical testing. Allele origin: germline. Affected: yes.
Comment: Has been reported in association with Brugada syndrome (Brion et al., 2014); In silico analysis supports that this missense variant has a deleterious effect on protein structure/function; This variant is associated with the following publications: (PMID: 24981977)

Literature cited by the submitters: PubMed 24981977 (cited by Ambry Genetics and Labcorp Genetics (formerly Invitae), Labcorp).

NM_003098.3(SNTA1):c.776C>T (p.Ser259Leu)

Gene: SNTA1 (syntrophin alpha 1; minus strand). Cytogenetic location: 20q11.21.
Variant type: single nucleotide variant.
Coding change: c.776C>T on transcript NM_003098.3 (MANE Select); coding-DNA position 776, C replaced by T.
Protein change: p.Ser259Leu; replaces serine 259 with leucine.
Molecular consequence: missense variant.
Genome position (GRCh38, 1-based): chr20:33,412,708, G>A on the plus strand (C>T on the coding strand, the complement: SNTA1 is on the minus strand). VCF-style: chr20-33412708-G-A. GRCh37 (hg19) VCF-style: chr20-32000514-G-A.
Other names: short protein forms S259L.
Identifiers: ClinVar variation 412218 (VCV000412218.15), dbSNP rs774643587, ClinGen allele CA9817148.